The following is an entry in ClinVar:

ClinVar aggregate classification (germline): Pathogenic/Likely pathogenic. Review status: criteria provided, multiple submitters, no conflicts (2 of 4 stars). 3 submissions from 3 submitters: Pathogenic (1); Likely pathogenic (2). Last evaluated 2025-06-29.

Conditions:
Charcot-Marie-Tooth Neuropathy X. Identifiers: MedGen CN118851.
Charcot-Marie-Tooth disease X-linked dominant 1. Also called: CHARCOT-MARIE-TOOTH NEUROPATHY, X-LINKED, 1; CHARCOT-MARIE-TOOTH PERONEAL MUSCULAR ATROPHY, X-LINKED; X-linked Charcot-Marie-Tooth disease type 1; GJB1 Disorders: Charcot-Marie-Tooth Neuropathy (CMT1X) and Central Nervous System Phenotypes; HEREDITARY MOTOR AND SENSORY NEUROPATHY, X-LINKED; HMSN, X-LINKED. Identifiers: Orphanet 101075, MedGen C0393808, MONDO:0010549, OMIM 302800.

Submissions (3):

Labcorp Genetics (formerly Invitae), Labcorp
Classification: Pathogenic for Charcot-Marie-Tooth Neuropathy X. Last evaluated: 2025-06-29. Review status: criteria provided, single submitter. Criteria: Invitae Variant Classification Sherloc (09022015). Collection method: clinical testing. Allele origin: germline.
Comment: This variant occurs in a non-coding region of the GJB1 gene. It does not change the encoded amino acid sequence of the GJB1 protein. This variant is not present in population databases (gnomAD no frequency). This variant has been observed in individuals with Charcot-Marie-Tooth (CMT) disease (PMID: 28283593, 29236290). It has also been observed to segregate with disease in related individuals. ClinVar contains an entry for this variant (Variation ID: 379903). Experimental studies and prediction algorithms are not available or were not evaluated, and the functional significance of this variant is currently unknown. Algorithms developed to predict the effect of sequence changes on RNA splicing suggest that this variant may create or strengthen a splice site. For these reasons, this variant has been classified as Pathogenic.

GeneDx
Classification: Likely pathogenic. Last evaluated: 2024-11-13. Review status: criteria provided, single submitter. Criteria: GeneDx Variant Classification Process June 2021. Collection method: clinical testing. Allele origin: germline. Affected: yes.
Comment: Not observed at significant frequency in large population cohorts (gnomAD); Located in a regulatory region; in the absence of functional studies, the actual effect of this sequence change is unknown; This variant is associated with the following publications: (PMID: 28283593, Allamand2017[casereport], 29236290, 31827005, 37284795)

Revvity Omics, Revvity
Classification: Likely pathogenic for Charcot-Marie-Tooth disease X-linked dominant 1. Last evaluated: 2021-05-06. Review status: criteria provided, single submitter. Criteria: ACMG Guidelines, 2015. Collection method: clinical testing. Allele origin: germline.

Literature cited by the submitters: PubMed 28283593 (cited by Labcorp Genetics (formerly Invitae), Labcorp); PubMed 29236290 (cited by Labcorp Genetics (formerly Invitae), Labcorp).

NM_000166.6(GJB1):c.*15C>T

Gene: GJB1 (gap junction protein beta 1; plus strand). Cytogenetic location: Xq13.1.
Variant type: single nucleotide variant.
Coding change: c.*15C>T on transcript NM_000166.6 (MANE Select); 15 bases downstream of the stop codon, C replaced by T.
Molecular consequence: 3 prime UTR variant.
Genome position (GRCh38, 1-based): chrX:71,224,574, C>T. VCF-style: chrX-71224574-C-T. GRCh37 (hg19) VCF-style: chrX-70444424-C-T.
Other names: c.*15C>T (NM_001097642.3).
Identifiers: ClinVar variation 379903 (VCV000379903.15), dbSNP rs1057520778, ClinGen allele CA16609212.